The following is an entry in ClinVar:

NM_001458.5(FLNC):c.4941_4945dup (p.Gly1649fs)

Gene: FLNC (filamin C; plus strand). Cytogenetic location: 7q32.1.
Variant type: Duplication.
Coding change: c.4941_4945dup on transcript NM_001458.5 (MANE Select); coding-DNA positions 4941 to 4945, 5 bases duplicated (CCATG; older notation c.4941_4945dupCCATG).
Protein change: p.Gly1649fs; shifts the reading frame from glycine 1649.
Molecular consequence: frameshift variant.
Genome position (GRCh38, 1-based): chr7:128,849,194-128,849,198, CCATG duplicated; duplicating any 5 consecutive bases within chr7:128,849,193-128,849,198 gives the same sequence; the c. name uses the placement nearest the transcript's 3' end. VCF-style (leftmost placement, unchanged base first): chr7-128849192-G-GGCCAT. GRCh37 (hg19) VCF-style: chr7-128489246-G-GGCCAT.
Other names: c.4941_4945dup, p.Gly1649fs (NM_001127487.2); c.4941_4945dup5 (NM_001458.4); short protein forms G1649fs.
Identifiers: ClinVar variation 4995211 (VCV004995211.1).
Genomic context (GRCh38, chr7:128,849,192, plus strand): 5'-CCAGCCCACGTTGAGCACCGCCTGGCCTCACACTCTTCTCTCTTTCCAGTGTCCATTGGA[G>GGCCAT]GCCATGGCCTGGGTGAGTGCCCTTTCTCTCCTCTTCTTGGTGTGGGCCAGGGTGGTTGGC-3'

ClinVar aggregate classification (germline): Likely pathogenic (1 of 4 stars; one submission).

Conditions:
FLNC-related disorder. Also called: FLNC-related disorders; FLNC-related condition.

Submission:

PreventionGenetics, part of Exact Sciences
Classification: Likely pathogenic for FLNC-related condition. Last evaluated: 2026-06-12. Review status: criteria provided, single submitter. Criteria: ACMG Guidelines, 2015. Collection method: clinical testing. Allele origin: germline.
Comment: The FLNC c.4941_4945dup5 variant is predicted to result in a frameshift and premature protein termination (p.Gly1649Alafs*19). To our knowledge, this variant has not been reported in the literature or in a large population database (gnomAD), indicating this variant is rare. Frameshift variants in FLNC are expected to be pathogenic. Of note, reduced penetrance for loss-of-function variants in FLNC has been reported (Begay et al. 2018. PubMed ID: 30067491; Ortiz-Genga et al. 2016. PubMed ID: 27908349). This variant is interpreted as likely pathogenic.